The following is an entry in ClinVar:

NM_138694.4(PKHD1):c.1258G>A (p.Gly420Ser)

Gene: PKHD1 (PKHD1 ciliary IPT domain containing fibrocystin/polyductin; minus strand). Cytogenetic location: 6p12.2.
Variant type: single nucleotide variant.
Coding change: c.1258G>A on transcript NM_138694.4 (MANE Select); coding-DNA position 1258, G replaced by A.
Protein change: p.Gly420Ser; replaces glycine 420 with serine.
Molecular consequence: missense variant.
Genome position (GRCh38, 1-based): chr6:52,058,577, C>T on the plus strand (G>A on the coding strand, the complement: PKHD1 is on the minus strand). VCF-style: chr6-52058577-C-T. GRCh37 (hg19) VCF-style: chr6-51923375-C-T.
Other names: c.1258G>A, p.Gly420Ser (NM_170724.3); short protein forms G420S.
Identifiers: ClinVar variation 2072163 (VCV002072163.23), dbSNP rs140458350, ClinGen allele CA3853594.
Genomic context (GRCh38, chr6:52,058,577, plus strand): 5'-TCTGCTGCCAGGTCCCTTCATCCCTATTCTGCTCCCAGGAGTCAAACCAGTCAGCAGTGC[C>T]GACGCTGATGGAGGCCACTTTCACCTATGCCCAAATAAGCATATCATGATCAATACTATG-3'
Protein context (NP_619639.3, residues 410-430): TKVKVASISV[Gly420Ser]TADWFDSWEQ

ClinVar aggregate classification (germline): Uncertain significance. Review status: criteria provided, multiple submitters, no conflicts (2 of 4 stars). 3 submissions from 3 submitters: Uncertain significance (3). Last evaluated 2024-04-12.

Conditions:
Autosomal recessive polycystic kidney disease (ARPKD). Also called: AR polycystic kidney disease. Identifiers: Orphanet 731, Orphanet 8378, MedGen C0085548, MeSH D017044, MONDO:0009889.
Polycystic kidney disease 4 (PKD4). Also called: PKD3; POLYCYSTIC KIDNEY DISEASE 4 WITH OR WITHOUT POLYCYSTIC LIVER DISEASE; POLYCYSTIC KIDNEY AND HEPATIC DISEASE 1; POLYCYSTIC KIDNEY DISEASE, INFANTILE, TYPE I; Autosomal Recessive Polycystic Kidney Disease – PKHD1. Identifiers: MedGen C4540575, MONDO:0033004, OMIM 263200.

Allele frequency attached by ClinVar (database versions not stated): gnomAD 0.00001; TOPMed 0.00001.
gnomAD v4.1: 32 of 1,613,990 alleles (0.002%); highest among the groups gnomAD compares: Admixed American, 0.0083%; no homozygotes.

Submissions (3):

Fulgent Genetics
Classification: Uncertain significance for Polycystic kidney disease 4. Last evaluated: 2024-04-12. Review status: criteria provided, single submitter. Criteria: ACMG Guidelines, 2015. Collection method: clinical testing. Allele origin: germline.

CeGaT Center for Human Genetics Tuebingen
Classification: Uncertain significance. Last evaluated: 2024-03-01. Review status: criteria provided, single submitter. Criteria: CeGaT Center For Human Genetics Tuebingen Variant Classification Criteria Version 2. Collection method: clinical testing. Allele origin: germline. Affected: yes. Observed: 1 variant allele.
Comment: PKHD1: PM2

Labcorp Genetics (formerly Invitae), Labcorp
Classification: Uncertain significance for Autosomal recessive polycystic kidney disease. Last evaluated: 2022-05-15. Review status: criteria provided, single submitter. Criteria: Invitae Variant Classification Sherloc (09022015). Collection method: clinical testing. Allele origin: germline.
Comment: This sequence change replaces glycine, which is neutral and non-polar, with serine, which is neutral and polar, at codon 420 of the PKHD1 protein (p.Gly420Ser). This variant is present in population databases (rs140458350, gnomAD 0.006%). This missense change has been observed in individual(s) with polycystic kidney disease (PMID: 33940108). Algorithms developed to predict the effect of missense changes on protein structure and function are either unavailable or do not agree on the potential impact of this missense change (SIFT: "Deleterious"; PolyPhen-2: "Probably Damaging"; Align-GVGD: "Class C0"). In summary, the available evidence is currently insufficient to determine the role of this variant in disease. Therefore, it has been classified as a Variant of Uncertain Significance.

Literature cited by the submitters: PubMed 33940108 (cited by Labcorp Genetics (formerly Invitae), Labcorp).